The following is an entry in ClinVar:

ClinVar aggregate classification (germline): Benign/Likely benign. Review status: criteria provided, multiple submitters, no conflicts (2 of 4 stars). 4 submissions from 4 submitters: Benign (1); Likely benign (3). Last evaluated 2026-01-26.

Conditions:
LAMA2-related muscular dystrophy (LAMA2-RD). Also called: Laminin alpha 2-related dystrophy. Identifiers: MedGen C5679788, MONDO:0100228.

Allele frequency attached by ClinVar (database versions not stated): gnomAD 0.00008 and 0.00013; gnomAD exomes 0.00012 and 0.00030; TOPMed 0.00017; ExAC 0.00027; 1000 Genomes Project 0.00120; 1000 Genomes Project 30x 0.00125.
gnomAD v4.1: 192 of 1,612,530 alleles (0.012%); highest among the groups gnomAD compares: East Asian, 0.31%; no homozygotes.

Submissions (4):

Labcorp Genetics (formerly Invitae), Labcorp
Classification: Benign for LAMA2-related muscular dystrophy. Last evaluated: 2026-01-26. Review status: criteria provided, single submitter. Criteria: Invitae Variant Classification Sherloc (09022015). Collection method: clinical testing. Allele origin: germline.

Blueprint Genetics
Classification: Likely benign. Last evaluated: 2024-05-06. Review status: criteria provided, single submitter. Criteria: ACMG Guidelines, 2015. Collection method: clinical testing. Allele origin: germline.

GeneDx
Classification: Likely benign. Last evaluated: 2017-06-22. Review status: criteria provided, single submitter. Criteria: GeneDx Variant Classification (06012015). Collection method: clinical testing. Allele origin: germline. Affected: yes.
Comment: This variant is considered likely benign or benign based on one or more of the following criteria: it is a conservative change, it occurs at a poorly conserved position in the protein, it is predicted to be benign by multiple in silico algorithms, and/or has population frequency not consistent with disease.

Breakthrough Genomics
Classification: Likely benign. Review status: criteria provided, single submitter. Criteria: ACMG Guidelines, 2015. Collection method: not provided. Allele origin: germline. Inheritance: Autosomal recessive inheritance. Affected: yes.

NM_000426.4(LAMA2):c.1468-19T>C

Gene: LAMA2 (laminin subunit alpha 2; plus strand). Cytogenetic location: 6q22.33.
Variant type: single nucleotide variant.
Coding change: c.1468-19T>C on transcript NM_000426.4 (MANE Select); 19 bases into the intron before coding-DNA position 1468, T replaced by C.
Molecular consequence: intron variant.
Genome position (GRCh38, 1-based): chr6:129,190,186, T>C. VCF-style: chr6-129190186-T-C. GRCh37 (hg19) VCF-style: chr6-129511331-T-C.
Other names: c.1468-19T>C (NM_001079823.2).
Identifiers: ClinVar variation 509950 (VCV000509950.11), dbSNP rs200241408, ClinGen allele CA3992629.